The following is an entry in ClinVar:

NM_000321.3(RB1):c.313_314del (p.Ile105fs)

Gene: RB1 (RB transcriptional corepressor 1; plus strand). Cytogenetic location: 13q14.2.
Variant type: Deletion.
Coding change: c.313_314del on transcript NM_000321.3 (MANE Select); coding-DNA positions 313 to 314, 2 bases deleted (AT; older notation c.313_314delAT).
Protein change: p.Ile105fs; shifts the reading frame from isoleucine 105.
Molecular consequence: frameshift variant.
Genome position (GRCh38, 1-based): chr13:48,342,647-48,342,648, AT deleted; deleting any 2 consecutive bases within chr13:48,342,646-48,342,648 gives the same sequence; the c. name uses the placement nearest the transcript's 3' end. VCF-style (leftmost placement, unchanged base first): chr13-48342645-TTA-T. GRCh37 (hg19) VCF-style: chr13-48916781-TTA-T.
Other names: c.313_314delAT, p.Ile105Cysfs (NM_000321.2); c.313_314del, p.Ile105fs (NM_001407165.1, NM_001407166.1); short protein forms I105fs.
Identifiers: ClinVar variation 5038377 (VCV005038377.1).

ClinVar aggregate classification (germline): Pathogenic (1 of 4 stars; one submission).

Conditions:
Retinoblastoma (RB1). Also called: RETINOBLASTOMA, SOMATIC. Identifiers: Orphanet 790, MedGen C0035335, MeSH D012175, MONDO:0008380, OMIM 180200, HP:0009919. Disease mechanism: loss of function. Inheritance: Both sporadic and heritable forms are tested..

Submission:

St. Jude Molecular Pathology, St. Jude Children's Research Hospital
Classification: Pathogenic for Retinoblastoma. Last evaluated: 2026-10-01. Review status: criteria provided, single submitter. Criteria: St. Jude Assertion Criteria 2020. Collection method: clinical testing. Allele origin: germline.
Comment: The RB1 c.313_314del p.(Ile105CysfsTer4) change deletes two nucleotides to cause a frameshift and the creation of a premature stop codon . This change is predicted to cause protein truncation or absence of protein due to nonsense-mediated decay. This variant is also absent in gnomAD v2.1.1 (.). In summary, this variant meets criteria to be classified as pathogenic.